The following is an entry in ClinVar:

ClinVar aggregate classification (germline): Uncertain significance. Review status: criteria provided, multiple submitters, no conflicts (2 of 4 stars). 2 submissions from 2 submitters: Uncertain significance (2). Last evaluated 2024-03-04.

Conditions:
Nephronophthisis 15 (NPHP15). Identifiers: Orphanet 3156, MedGen C3541853, MONDO:0013917, OMIM 614845.

Allele frequency attached by ClinVar (database versions not stated): gnomAD 0.00001; TOPMed 0.00001.
gnomAD v4.1: 2 of 1,613,952 alleles (0.00012%); highest among the groups gnomAD compares: African/African-American, 0.0013%; no homozygotes.

Submissions (2):

Fulgent Genetics
Classification: Uncertain significance for Nephronophthisis 15. Last evaluated: 2024-03-04. Review status: criteria provided, single submitter. Criteria: ACMG Guidelines, 2015. Collection method: clinical testing. Allele origin: germline.

Labcorp Genetics (formerly Invitae), Labcorp
Classification: Uncertain significance for Nephronophthisis 15. Last evaluated: 2022-07-12. Review status: criteria provided, single submitter. Criteria: Invitae Variant Classification Sherloc (09022015). Collection method: clinical testing. Allele origin: germline.
Comment: In summary, the available evidence is currently insufficient to determine the role of this variant in disease. Therefore, it has been classified as a Variant of Uncertain Significance. Algorithms developed to predict the effect of missense changes on protein structure and function output the following: SIFT: "Tolerated"; PolyPhen-2: "Benign"; Align-GVGD: "Class C0". The leucine amino acid residue is found in multiple mammalian species, which suggests that this missense change does not adversely affect protein function. This variant has not been reported in the literature in individuals affected with CEP164-related conditions. This variant is present in population databases (no rsID available, gnomAD 0.01%). This sequence change replaces proline, which is neutral and non-polar, with leucine, which is neutral and non-polar, at codon 530 of the CEP164 protein (p.Pro530Leu).

NM_014956.5(CEP164):c.1589C>T (p.Pro530Leu)

Gene: CEP164 (centrosomal protein 164; plus strand). Cytogenetic location: 11q23.3.
Variant type: single nucleotide variant.
Coding change: c.1589C>T on transcript NM_014956.5 (MANE Select); coding-DNA position 1589, C replaced by T.
Protein change: p.Pro530Leu; replaces proline 530 with leucine.
Molecular consequence: missense variant.
Genome position (GRCh38, 1-based): chr11:117,382,807, C>T. VCF-style: chr11-117382807-C-T. GRCh37 (hg19) VCF-style: chr11-117253523-C-T.
Other names: c.1598C>T, p.Pro533Leu (NM_001271933.2); short protein forms P530L, P533L.
Identifiers: ClinVar variation 2416612 (VCV002416612.5), dbSNP rs918979334, ClinGen allele CA229353460.
Genomic context (GRCh38, chr11:117,382,807, plus strand): 5'-CTTGCTTTCTTACTGGCTTTAACACAGTTGTTTCCTTACTGCTATCAAGGGAGCAGGCCC[C>T]AAGCCCACCTGCTGCCTGTGAGAAGGGCAAGGAGCAGCATTCCCAGGCCGAGGAGCTGGG-3'
Protein context (NP_055771.4, residues 520-540): LQLSLQREQA[Pro530Leu]SPPAACEKGK